The following is an entry in ClinVar:

NM_024675.3:c.2080_2081insALU

Gene: PALB2 (partner and localizer of BRCA2; minus strand).
Variant type: Insertion.
Identifiers: ClinVar variation 4825301 (VCV004825301.1).

ClinVar aggregate classification (germline): Likely pathogenic (1 of 4 stars; one submission).

Conditions:
Hereditary cancer-predisposing syndrome. Also called: Neoplastic Syndromes, Hereditary; Tumor predisposition; Hereditary Cancer Syndrome; Hereditary neoplastic syndrome. Identifiers: Orphanet 140162, MedGen C0027672, MeSH D009386, MONDO:0015356.

Submission:

Ambry Genetics
Classification: Likely pathogenic for Hereditary cancer-predisposing syndrome. Last evaluated: 2026-02-04. Review status: criteria provided, single submitter. Criteria: Ambry Variant Classification Scheme 2023. Collection method: clinical testing. Allele origin: germline.
Comment: The c.2080_2081insALU likely pathogenic variant results from the insertion of an Alu element between nucleotides 2080 and 2081 in coding exon 5 of the PALB2 gene. Mobile element insertions contribute to pathogenicity by either disrupting the coding sequence or inducing aberrant splicing (Belancio VP et al. Semin. Cancer Biol. 2010 Aug;20:200-10; Deininger P et al. Genome Biol. 2011 Dec;12:236; van der Klift HM. Hum Mutat. 2012 Jul;33(7):1051-5). Based on the majority of available evidence to date, this variant is likely to be pathogenic.